The following is an entry in ClinVar:

NM_144572.2(TBC1D2B):c.1940G>C (p.Arg647Thr)

Gene: TBC1D2B (TBC1 domain family member 2B; minus strand). Cytogenetic location: 15q25.1.
Variant type: single nucleotide variant.
Coding change: c.1940G>C on transcript NM_144572.2 (MANE Select); coding-DNA position 1940, G replaced by C.
Protein change: p.Arg647Thr; replaces arginine 647 with threonine.
Molecular consequence: missense variant.
Genome position (GRCh38, 1-based): chr15:78,013,153, C>G on the plus strand (G>C on the coding strand, the complement: TBC1D2B is on the minus strand). VCF-style: chr15-78013153-C-G. GRCh37 (hg19) VCF-style: chr15-78305495-C-G.
Other names: c.1940G>C, p.Arg647Thr (NM_001387142.1, NM_001387144.1, NM_015079.6); c.1937G>C, p.Arg646Thr (NM_001387143.1); c.1604G>C, p.Arg535Thr (NM_001387145.1, NM_001387146.1, NM_001387147.1 and 1 more transcripts); c.1490G>C, p.Arg497Thr (NM_001387149.1); short protein forms R497T, R535T, R646T, R647T.
Identifiers: ClinVar variation 3341297 (VCV003341297.1).

ClinVar aggregate classification (germline): Uncertain significance (1 of 4 stars; one submission).

Conditions:
Neurodevelopmental disorder with seizures and gingival overgrowth. Identifiers: MedGen C5543395, MONDO:0859148, OMIM 619323.

gnomAD v4.1: 2 of 1,613,972 alleles (0.00012%); highest among the groups gnomAD compares: South Asian, 0.0022%; no homozygotes.

Submission:

Neuberg Centre For Genomic Medicine, NCGM
Classification: Uncertain significance for Neurodevelopmental disorder with seizures and gingival overgrowth. Last evaluated: 2023-05-20. Review status: criteria provided, single submitter. Criteria: ACMG Guidelines, 2015. Collection method: clinical testing. Allele origin: germline. Inheritance: Autosomal recessive inheritance. Affected: yes.
Comment: The observed missense variant c.1940G>C (p.Arg647Thr) in the TBC1D2B gene has not been reported previously as a pathogenic variant nor as a benign variant, to our knowledge. This variant is reported with the allele frequency 0.001% in the gnomAD Exomes. The amino acid Arginine at position 647 is changed to a Threonine changing protein sequence and it might alter its composition and physico-chemical properties. Multiple lines of computational evidence (Polyphen - Damaging and MutationTaster - Disease causing) predict a damaging effect on protein structure and function for this variant. The residue is conserved by GERP++ and PhyloP across 100 vertebrates. For these reasons, this variant has been classified as Uncertain Significance.